The following is an entry in ClinVar:

NM_001330078.2(NRXN1):c.2203A>G (p.Met735Val)

Gene: NRXN1 (neurexin 1; minus strand). Cytogenetic location: 2p16.3.
Variant type: single nucleotide variant.
Coding change: c.2203A>G on transcript NM_001330078.2 (MANE Select); coding-DNA position 2203, A replaced by G.
Protein change: p.Met735Val; replaces methionine 735 with valine.
Molecular consequence: missense variant.
Genome position (GRCh38, 1-based): chr2:50,531,371, T>C on the plus strand (A>G on the coding strand, the complement: NRXN1 is on the minus strand). VCF-style: chr2-50531371-T-C. GRCh37 (hg19) VCF-style: chr2-50758509-T-C.
Other names: c.2323A>G, p.Met775Val (NM_001135659.3); c.2179A>G, p.Met727Val (NM_001330077.2, NM_001330082.2, NM_001330095.2); c.2164A>G, p.Met722Val (NM_001330083.2, NM_001330084.2); c.2203A>G, p.Met735Val (NM_001330085.2, NM_001330086.2, NM_004801.6); c.2119A>G, p.Met707Val (NM_001330087.2, NM_001330096.2); c.2149A>G, p.Met717Val (NM_001330088.2); c.2200A>G, p.Met734Val (NM_001330093.2); c.2191A>G, p.Met731Val (NM_001330094.2); short protein forms M707V, M734V, M735V, M775V, M717V, M722V, M727V, M731V.
Identifiers: ClinVar variation 1397403 (VCV001397403.8), dbSNP rs200622829, ClinGen allele CA1654894.

ClinVar aggregate classification (germline): Uncertain significance (1 of 4 stars; one submission).

Conditions:
Pitt-Hopkins-like syndrome 2 (PTHSL2). Identifiers: Orphanet 221150, Orphanet 600663, MedGen C3280479, MONDO:0013690, OMIM 614325.

Allele frequency attached by ClinVar (database versions not stated): TOPMed below 0.00001; gnomAD 0.00001; gnomAD exomes 0.00005 and 0.00008; ExAC 0.00010.
gnomAD v4.1: 66 of 1,612,986 alleles (0.0041%); highest among the groups gnomAD compares: South Asian, 0.07%; 1 homozygote.

Submission:

Labcorp Genetics (formerly Invitae), Labcorp
Classification: Uncertain significance for Pitt-Hopkins-like syndrome 2. Last evaluated: 2022-05-30. Review status: criteria provided, single submitter. Criteria: Invitae Variant Classification Sherloc (09022015). Collection method: clinical testing. Allele origin: germline.
Comment: This sequence change replaces methionine, which is neutral and non-polar, with valine, which is neutral and non-polar, at codon 775 of the NRXN1 protein (p.Met775Val). This variant is present in population databases (rs200622829, gnomAD 0.06%). This variant has not been reported in the literature in individuals affected with NRXN1-related conditions. ClinVar contains an entry for this variant (Variation ID: 1397403). Algorithms developed to predict the effect of missense changes on protein structure and function (SIFT, PolyPhen-2, Align-GVGD) all suggest that this variant is likely to be tolerated. Experimental studies have shown that this missense change does not substantially affect NRXN1 function (PMID: 32942984). In summary, the available evidence is currently insufficient to determine the role of this variant in disease. Therefore, it has been classified as a Variant of Uncertain Significance.

Literature cited by the submitters: PubMed 32942984.